The following is an entry in ClinVar:

ClinVar aggregate classification (germline): Pathogenic/Likely pathogenic. Review status: criteria provided, multiple submitters, no conflicts (2 of 4 stars). 3 submissions from 3 submitters: Pathogenic (2); Likely pathogenic (1). Last evaluated 2026-01-14.

Conditions:
Deficiency of aromatic-L-amino-acid decarboxylase. Also called: AADC DEFICIENCY; Aromatic L-Amino Acid Decarboxylase Deficiency; Aromatic amino acid decarboxylase deficiency; DDC DEFICIENCY; DOPA DECARBOXYLASE DEFICIENCY. Identifiers: Orphanet 35708, MedGen C1291564, MONDO:0012084, OMIM 608643.

Allele frequency attached by ClinVar (database versions not stated): gnomAD exomes 0.00001; ExAC 0.00002.
gnomAD v4.1: 8 of 1,610,594 alleles (0.0005%); highest among the groups gnomAD compares: South Asian, 0.0088%; no homozygotes.

Submissions (3):

Labcorp Genetics (formerly Invitae), Labcorp
Classification: Pathogenic for Deficiency of aromatic-L-amino-acid decarboxylase. Last evaluated: 2026-01-14. Review status: criteria provided, single submitter. Criteria: Invitae Variant Classification Sherloc (09022015). Collection method: clinical testing. Allele origin: germline.
Comment: This sequence change creates a premature translational stop signal (p.Gln375*) in the DDC gene. It is expected to result in an absent or disrupted protein product. Loss-of-function variants in DDC are known to be pathogenic (PMID: 15079002, 24788355). This variant is present in population databases (rs777681757, gnomAD 0.02%). This premature translational stop signal has been observed in individual(s) with aromatic L-amino acid decarboxylase deficiency (PMID: 30952622). ClinVar contains an entry for this variant (Variation ID: 2976771). Algorithms developed to predict the effect of sequence changes on RNA splicing suggest that this variant may disrupt the consensus splice site. For these reasons, this variant has been classified as Pathogenic.

Fulgent Genetics
Classification: Likely pathogenic for Deficiency of aromatic-L-amino-acid decarboxylase. Last evaluated: 2024-02-28. Review status: criteria provided, single submitter. Criteria: ACMG Guidelines, 2015. Collection method: clinical testing. Allele origin: germline.

Neuberg Centre For Genomic Medicine, NCGM
Classification: Pathogenic for Deficiency of aromatic-L-amino-acid decarboxylase. Review status: criteria provided, single submitter. Criteria: ACMG Guidelines, 2015. Collection method: clinical testing. Allele origin: germline. Inheritance: Autosomal recessive inheritance. Affected: yes.
Comment: The observed stop gain variant c.1123C>T (p.Gln375Ter) has been reported previously in compound heterozygous state in trans with another pathogenic variant [c.1040G>A (p.Arg347Gln)] in an individual affected with Aromatic L-amino acid decarboxylase deficiency (Hyland & Reott et al. 2020). The c.1123C>T variant is present with an allele frequency of 0.002% in gnomAD exomes database. This variant is predicted to be disease causing (damaging effect on protein structure and function) by MutationTaster). The nucleotide change c.1123C>T in DDC is predicted as conserved by GERP++ and PhyloP across 100 vertebrates. This variant is predicted to cause loss of normal protein function through protein truncation. Loss of function variants have been previously reported to be disease causing. For these reasons, this variant has been classified as Pathogenic. In the absence of another reportable variant in the MFSD8 gene, the molecular diagnosis is not confirmed.

Literature cited by the submitters: PubMed 15079002 (cited by Labcorp Genetics (formerly Invitae), Labcorp); PubMed 24788355 (cited by Labcorp Genetics (formerly Invitae), Labcorp); PubMed 30952622 (cited by Labcorp Genetics (formerly Invitae), Labcorp).

NM_001082971.2(DDC):c.1123C>T (p.Gln375Ter)

Gene: DDC (dopa decarboxylase; minus strand). Cytogenetic location: 7p12.2.
Variant type: single nucleotide variant.
Coding change: c.1123C>T on transcript NM_001082971.2 (MANE Select); coding-DNA position 1123, C replaced by T.
Protein change: p.Gln375Ter; replaces glutamine 375 with a stop codon.
Molecular consequence: nonsense.
Genome position (GRCh38, 1-based): chr7:50,470,090, G>A on the plus strand (C>T on the coding strand, the complement: DDC is on the minus strand). VCF-style: chr7-50470090-G-A. GRCh37 (hg19) VCF-style: chr7-50537788-G-A.
Other names: c.1123C>T, p.Gln375Ter (NM_000790.4); c.1009C>T, p.Gln337Ter (NM_001242886.2); c.979C>T, p.Gln327Ter (NM_001242887.2); c.889C>T, p.Gln297Ter (NM_001242888.2); c.844C>T, p.Gln282Ter (NM_001242889.2); short protein forms Q282*, Q297*, Q327*, Q337*, Q375*.
Identifiers: ClinVar variation 2976771 (VCV002976771.5), dbSNP rs777681757, ClinGen allele CA4262066.